The following is an entry in ClinVar:

ClinVar aggregate classification (germline): Uncertain significance (1 of 4 stars; one submission).

gnomAD v4.1: 1 of 1,614,122 alleles (0.000062%); no homozygotes.

Submission:

Labcorp Genetics (formerly Invitae), Labcorp
Classification: Uncertain significance. Last evaluated: 2024-03-26. Review status: criteria provided, single submitter. Criteria: Invitae Variant Classification Sherloc (09022015). Collection method: clinical testing. Allele origin: germline.
Comment: This sequence change replaces asparagine, which is neutral and polar, with threonine, which is neutral and polar, at codon 280 of the NTRK2 protein (p.Asn280Thr). This variant is not present in population databases (gnomAD no frequency). This variant has not been reported in the literature in individuals affected with NTRK2-related conditions. Advanced modeling of protein sequence and biophysical properties (such as structural, functional, and spatial information, amino acid conservation, physicochemical variation, residue mobility, and thermodynamic stability) performed at Invitae indicates that this missense variant is not expected to disrupt NTRK2 protein function with a negative predictive value of 80%. In summary, the available evidence is currently insufficient to determine the role of this variant in disease. Therefore, it has been classified as a Variant of Uncertain Significance.

NM_006180.6(NTRK2):c.839A>C (p.Asn280Thr)

Gene: NTRK2 (neurotrophic receptor tyrosine kinase 2; plus strand). Cytogenetic location: 9q21.33.
Variant type: single nucleotide variant.
Coding change: c.839A>C on transcript NM_006180.6 (MANE Select); coding-DNA position 839, A replaced by C.
Protein change: p.Asn280Thr; replaces asparagine 280 with threonine.
Molecular consequence: missense variant.
Genome position (GRCh38, 1-based): chr9:84,724,342, A>C. VCF-style: chr9-84724342-A-C. GRCh37 (hg19) VCF-style: chr9-87339257-A-C.
Other names: c.839A>C, p.Asn280Thr (NM_001007097.3, NM_001018064.3, NM_001018065.2 and 19 more transcripts); c.371A>C, p.Asn124Thr (NM_001369535.1, NM_001369536.1, NM_001369550.1 and 2 more transcripts); short protein forms N124T, N280T.
Identifiers: ClinVar variation 2826227 (VCV002826227.3), dbSNP rs766162328, ClinGen allele CA374007673.
Genomic context (GRCh38, chr9:84,724,342, plus strand): 5'-GTGGGAAGCAGATCTCTTGTGTGGCGGAAAATCTTGTAGGAGAAGATCAAGATTCTGTCA[A>C]CCTCACTGTGCATTGTACGTAATCAGACTGGCATGTGTTTTTAATAGCAAATGATCATGG-3'
Protein context (NP_006171.2, residues 270-290): NLVGEDQDSV[Asn280Thr]LTVHFAPTIT